The following is an entry in ClinVar:

NM_001278689.2(EOGT):c.1129C>T (p.Arg377Trp)

Gene: EOGT (EGF domain specific O-linked N-acetylglucosamine transferase; minus strand). Cytogenetic location: 3p14.1.
Variant type: single nucleotide variant.
Coding change: c.1129C>T on transcript NM_001278689.2 (MANE Select); coding-DNA position 1129, C replaced by T.
Protein change: p.Arg377Trp; replaces arginine 377 with tryptophan.
Molecular consequence: missense variant. On other transcripts: non-coding transcript variant (1).
Genome position (GRCh38, 1-based): chr3:68,987,468, G>A on the plus strand (C>T on the coding strand, the complement: EOGT is on the minus strand). VCF-style: chr3-68987468-G-A. GRCh37 (hg19) VCF-style: chr3-69036619-G-A.
Other names: c.877C>T (NM_173654.1); c.877C>T, p.Arg293Trp (NM_173654.3); short protein forms R293W, R377W.
Identifiers: ClinVar variation 1377716 (VCV001377716.6), dbSNP rs377612780, ClinGen allele CA76440706.
Genomic context (GRCh38, chr3:68,987,468, plus strand): 5'-AATATGAAGGCATTAAAAATGCATACCAAAAACTAACCTCATTTTGGTTAAGGATTTTCC[G>A]GTATTCTGTGCTCCGTGCAAGAATGGTGACTCGAATTTTTCCATCCTGTAATCAAAATGA-3'
Protein context (NP_001265618.1, residues 367-387): VTILARSTEY[Arg377Trp]KILNQNELVN

ClinVar aggregate classification (germline): Uncertain significance. Review status: criteria provided, multiple submitters, no conflicts (2 of 4 stars). 2 submissions from 2 submitters: Uncertain significance (2). Last evaluated 2025-08-20.

Conditions:
Inborn genetic diseases. Identifiers: MedGen C0950123, MeSH D030342.
Adams-Oliver syndrome 4 (AOS4). Identifiers: Orphanet 974, MedGen C3809092, MONDO:0014124, OMIM 615297.

Allele frequency attached by ClinVar (database versions not stated): gnomAD 0.00010 and 0.00009; TOPMed 0.00012; gnomAD exomes 0.00002; ESP Exome Variant Server 0.00008.
gnomAD v4.1: 47 of 1,613,276 alleles (0.0029%); highest among the groups gnomAD compares: African/African-American, 0.024%; 1 homozygote.

Submissions (2):

Ambry Genetics
Classification: Uncertain significance for Inborn genetic diseases. Last evaluated: 2025-08-20. Review status: criteria provided, single submitter. Criteria: Ambry Variant Classification Scheme 2023. Collection method: clinical testing. Allele origin: germline.

Labcorp Genetics (formerly Invitae), Labcorp
Classification: Uncertain significance for Adams-Oliver syndrome 4. Last evaluated: 2022-02-04. Review status: criteria provided, single submitter. Criteria: Invitae Variant Classification Sherloc (09022015). Collection method: clinical testing. Allele origin: germline.
Comment: This sequence change replaces arginine, which is basic and polar, with tryptophan, which is neutral and slightly polar, at codon 293 of the EOGT protein (p.Arg293Trp). This variant is present in population databases (rs377612780, gnomAD 0.008%). This variant has not been reported in the literature in individuals affected with EOGT-related conditions. Algorithms developed to predict the effect of missense changes on protein structure and function (SIFT, PolyPhen-2, Align-GVGD) all suggest that this variant is likely to be disruptive. This variant disrupts the p.Arg293 amino acid residue in EOGT. Other variant(s) that disrupt this residue have been determined to be pathogenic (PMID: 23522784, 25488668). This suggests that this residue is clinically significant, and that variants that disrupt this residue are likely to be disease-causing. In summary, the available evidence is currently insufficient to determine the role of this variant in disease. Therefore, it has been classified as a Variant of Uncertain Significance.

Literature cited by the submitters: PubMed 23522784 (cited by Labcorp Genetics (formerly Invitae), Labcorp); PubMed 25488668 (cited by Labcorp Genetics (formerly Invitae), Labcorp).